The following is an entry in ClinVar:

ClinVar aggregate classification (germline): Benign (0 of 4 stars; one submission).

Conditions:
MYO9B-related disorder. Also called: MYO9B-related condition.

Allele frequency attached by ClinVar (database versions not stated): 1000 Genomes Project 0.01158; 1000 Genomes Project 30x 0.01218; TOPMed 0.02450; ESP Exome Variant Server 0.02668; gnomAD 0.02739; ExAC 0.02999; gnomAD exomes 0.03378.
gnomAD v4.1: 53,453 of 1,612,488 alleles (3.3%); highest among the groups gnomAD compares: Non-Finnish European, 3.7%; 1,091 homozygotes.

Submission:

PreventionGenetics, part of Exact Sciences
Classification: Benign for MYO9B-related condition. Last evaluated: 2019-06-07. Review status: no assertion criteria provided. Collection method: clinical testing. Allele origin: germline.
Comment: This variant is classified as benign based on ACMG/AMP sequence variant interpretation guidelines (Richards et al. 2015 PMID: 25741868, with internal and published modifications).

NM_004145.4(MYO9B):c.2718G>A (p.Leu906=)

Gene: MYO9B (myosin IXB; plus strand). Cytogenetic location: 19p13.11.
Variant type: single nucleotide variant.
Coding change: c.2718G>A on transcript NM_004145.4 (MANE Select); coding-DNA position 2718, G replaced by A.
Protein change: p.Leu906=; no amino-acid change (leucine 906 retained).
Molecular consequence: synonymous variant.
Genome position (GRCh38, 1-based): chr19:17,191,126, G>A. VCF-style: chr19-17191126-G-A. GRCh37 (hg19) VCF-style: chr19-17301935-G-A.
Other names: c.2718G>A, p.Leu906= (NM_001130065.2).
Identifiers: ClinVar variation 3056992 (VCV003056992.2), dbSNP rs55959020, ClinGen allele CA9287706.